The following is an entry in ClinVar:

NM_001037131.3(AGAP1):c.2305G>A (p.Gly769Ser)

Gene: AGAP1 (ArfGAP with GTPase domain, ankyrin repeat and PH domain 1; plus strand). Cytogenetic location: 2q37.2.
Variant type: single nucleotide variant.
Coding change: c.2305G>A on transcript NM_001037131.3 (MANE Select); coding-DNA position 2305, G replaced by A.
Protein change: p.Gly769Ser; replaces glycine 769 with serine.
Molecular consequence: missense variant.
Genome position (GRCh38, 1-based): chr2:236,120,382, G>A. VCF-style: chr2-236120382-G-A. GRCh37 (hg19) VCF-style: chr2-237029026-G-A.
Other names: c.2146G>A, p.Gly716Ser (NM_014914.5); c.2305G>A (NM_001037131.2); short protein forms G716S, G769S.
Identifiers: ClinVar variation 3018301 (VCV003018301.4), dbSNP rs753259917, ClinGen allele CA2185214.

ClinVar aggregate classification (germline): Uncertain significance. Review status: criteria provided, multiple submitters, no conflicts (2 of 4 stars). 2 submissions from 2 submitters: Uncertain significance (2). Last evaluated 2025-04-10.

Allele frequency attached by ClinVar (database versions not stated): gnomAD exomes 0.00001; TOPMed 0.00001; ExAC 0.00003; gnomAD 0.00005.
gnomAD v4.1: 23 of 1,611,428 alleles (0.0014%); highest among the groups gnomAD compares: Admixed American, 0.0033%; no homozygotes.

Submissions (2):

Ambry Genetics
Classification: Uncertain significance. Last evaluated: 2025-04-10. Review status: criteria provided, single submitter. Criteria: Ambry Variant Classification Scheme 2023. Collection method: clinical testing. Allele origin: germline.

Labcorp Genetics (formerly Invitae), Labcorp
Classification: Uncertain significance. Last evaluated: 2023-05-03. Review status: criteria provided, single submitter. Criteria: Invitae Variant Classification Sherloc (09022015). Collection method: clinical testing. Allele origin: germline.
Comment: In summary, the available evidence is currently insufficient to determine the role of this variant in disease. Therefore, it has been classified as a Variant of Uncertain Significance. This sequence change replaces glycine, which is neutral and non-polar, with serine, which is neutral and polar, at codon 716 of the AGAP1 protein (p.Gly716Ser). This variant is present in population databases (rs753259917, gnomAD 0.02%). This variant has not been reported in the literature in individuals affected with AGAP1-related conditions. An algorithm developed to predict the effect of missense changes on protein structure and function (PolyPhen-2) suggests that this variant is likely to be tolerated.